The following is an entry in ClinVar:

NM_022047.4(DEF6):c.1814A>T (p.Lys605Met)

Gene: DEF6 (DEF6 guanine nucleotide exchange factor; plus strand). Cytogenetic location: 6p21.31.
Variant type: single nucleotide variant.
Coding change: c.1814A>T on transcript NM_022047.4 (MANE Select); coding-DNA position 1814, A replaced by T.
Protein change: p.Lys605Met; replaces lysine 605 with methionine.
Molecular consequence: missense variant.
Genome position (GRCh38, 1-based): chr6:35,321,328, A>T. VCF-style: chr6-35321328-A-T. GRCh37 (hg19) VCF-style: chr6-35289105-A-T.
Other names: p.Lys605Met; short protein forms K605M.
Identifiers: ClinVar variation 4541155 (VCV004541155.1).

ClinVar aggregate classification (germline): Uncertain significance (1 of 4 stars; one submission).

gnomAD v4.1: 5 of 1,614,046 alleles (0.00031%); highest among the groups gnomAD compares: African/African-American, 0.0067%; no homozygotes.

Submission:

Mayo Clinic Laboratories, Mayo Clinic
Classification: Uncertain significance. Last evaluated: 2025-10-03. Review status: criteria provided, single submitter. Criteria: ACMG Guidelines, 2015. Collection method: clinical testing. Allele origin: germline. Observed: 1 variant allele.
Comment: BP4_moderate